The following is an entry in ClinVar:

ClinVar aggregate classification (germline): Likely benign (1 of 4 stars; one submission).

Conditions:
Colorectal cancer, susceptibility to, 1. Also called: COLORECTAL ADENOMA AND CANCER, SUSCEPTIBILITY TO; COLORECTAL CANCER, SUSCEPTIBILITY TO, ON CHROMOSOME 9. Identifiers: MedGen C1837315, MONDO:0012132, OMIM 608812.

Submission:

Myriad Genetics, Inc.
Classification: Likely benign for Colorectal cancer, susceptibility to, 1. Last evaluated: 2026-04-21. Review status: criteria provided, single submitter. Criteria: Myriad Autosomal Dominant, Autosomal Recessive and X-Linked Classification Criteria (2023). Collection method: clinical testing. Allele origin: unknown.
Comment: This variant is considered likely benign. This variant is intronic and is not expected to impact mRNA splicing.

NM_024642.5(GALNT12):c.732-13T>C

Gene: GALNT12 (polypeptide N-acetylgalactosaminyltransferase 12; plus strand). Cytogenetic location: 9q22.33.
Variant type: single nucleotide variant.
Coding change: c.732-13T>C on transcript NM_024642.5 (MANE Select); 13 bases into the intron before coding-DNA position 732, T replaced by C.
Molecular consequence: intron variant.
Genome position (GRCh38, 1-based): chr9:98,831,759, T>C. VCF-style: chr9-98831759-T-C. GRCh37 (hg19) VCF-style: chr9-101594041-T-C.
Identifiers: ClinVar variation 4875842 (VCV004875842.1).